The following is an entry in ClinVar:

NM_001365951.3(KIF1B):c.4584C>G (p.Asp1528Glu)

Gene: KIF1B (kinesin family member 1B; plus strand). Cytogenetic location: 1p36.22.
Variant type: single nucleotide variant.
Coding change: c.4584C>G on transcript NM_001365951.3 (MANE Select); coding-DNA position 4584, C replaced by G.
Protein change: p.Asp1528Glu; replaces aspartic acid 1528 with glutamic acid.
Molecular consequence: missense variant.
Genome position (GRCh38, 1-based): chr1:10,365,480, C>G. VCF-style: chr1-10365480-C-G. GRCh37 (hg19) VCF-style: chr1-10425538-C-G.
Other names: c.4584C>G, p.Asp1528Glu (NM_001365952.1); c.4446C>G, p.Asp1482Glu (NM_015074.3); short protein forms D1482E, D1528E.
Identifiers: ClinVar variation 3534023 (VCV003534023.1).

ClinVar aggregate classification (germline): Uncertain significance (1 of 4 stars; one submission).

Submission:

Ambry Genetics
Classification: Uncertain significance. Last evaluated: 2024-09-18. Review status: criteria provided, single submitter. Criteria: Ambry Variant Classification Scheme 2023. Collection method: clinical testing. Allele origin: germline.
Comment: The p.D1482E variant (also known as c.4446C>G), located in coding exon 40 of the KIF1B gene, results from a C to G substitution at nucleotide position 4446. The aspartic acid at codon 1482 is replaced by glutamic acid, an amino acid with highly similar properties. This amino acid position is conserved. In addition, this alteration is predicted to be tolerated by in silico analysis. Based on the available evidence, the clinical significance of this variant remains unclear.